The following is an entry in ClinVar:

NM_004655.4(AXIN2):c.432T>C (p.Ile144=)

Gene: AXIN2 (axin 2; minus strand). Cytogenetic location: 17q24.1.
Variant type: single nucleotide variant.
Coding change: c.432T>C on transcript NM_004655.4 (MANE Select); coding-DNA position 432, T replaced by C.
Protein change: p.Ile144=; no amino-acid change (isoleucine 144 retained).
Molecular consequence: synonymous variant.
Genome position (GRCh38, 1-based): chr17:65,558,189, A>G on the plus strand (T>C on the coding strand, the complement: AXIN2 is on the minus strand). VCF-style: chr17-65558189-A-G. GRCh37 (hg19) VCF-style: chr17-63554307-A-G.
Other names: c.432T>C (LRG_296t1); c.432T>C, p.Ile144= (NM_001363813.1).
Identifiers: ClinVar variation 259515 (VCV000259515.38), dbSNP rs2240307, ClinGen allele CA8719052.

ClinVar aggregate classification (germline): Benign/Likely benign. Review status: criteria provided, multiple submitters, no conflicts (2 of 4 stars). 17 submissions from 17 submitters: Benign (13); Likely benign (1). 3 of the submissions do not count toward it. Last evaluated 2026-02-04.

Conditions:
Oligodontia-cancer predisposition syndrome. Also called: TOOTH AGENESIS-COLORECTAL CANCER SYNDROME. Identifiers: Orphanet 300576, MedGen C1837750, MONDO:0012075, OMIM 608615. Disease mechanism: loss of function.
Hereditary cancer-predisposing syndrome. Also called: Tumor predisposition; Hereditary neoplastic syndrome; Hereditary Cancer Syndrome; Neoplastic Syndromes, Hereditary. Identifiers: Orphanet 140162, MedGen C0027672, MeSH D009386, MONDO:0015356.

Allele frequency attached by ClinVar (database versions not stated): gnomAD exomes 0.01753 and 0.04449; ESP Exome Variant Server 0.02837; ExAC 0.03996; gnomAD 0.04207 and 0.04400; TOPMed 0.04923; 1000 Genomes Project 0.07867; 1000 Genomes Project 30x 0.08120.
gnomAD v4.1: 32,503 of 1,613,946 alleles (2%); highest among the groups gnomAD compares: East Asian, 16%; 1,500 homozygotes.

Submissions (17):

Labcorp Genetics (formerly Invitae), Labcorp
Classification: Benign for Oligodontia-cancer predisposition syndrome. Last evaluated: 2026-02-04. Review status: criteria provided, single submitter. Criteria: Invitae Variant Classification Sherloc (09022015). Collection method: clinical testing. Allele origin: germline.

GeneKor MSA
Classification: Benign for Hereditary cancer-predisposing syndrome. Last evaluated: 2025-07-10. Review status: criteria provided, single submitter. Criteria: ACMG Guidelines, 2015. Collection method: clinical testing. Allele origin: germline.

Institute for Biomarker Research, Medical Diagnostic Laboratories, L.L.C.
Classification: Benign for Hereditary cancer-predisposing syndrome. Last evaluated: 2025-06-16. Review status: criteria provided, single submitter. Criteria: ACMG Guidelines, 2015. Collection method: clinical testing. Allele origin: germline.
Comment: The synonymous variant NM_004655.4(AXIN2):c.432T>C (p.Ile144=) has been reported to ClinVar as Benign with a status of (2 stars) criteria provided, multiple submitters, no conflicts (Variation ID 259515 as of 2025-06-05).The p.Ile144= variant is not predicted to disrupt an existing splice site. The p.Ile144= variant results in a substitution of a base that is not predicted conserved by GERP++ and PhyloP. For these reasons, this variant has been classified as Benign.

Center for Genomic Medicine, Rigshospitalet, Copenhagen University Hospital
Classification: Benign. Last evaluated: 2025-03-04. Review status: criteria provided, single submitter. Criteria: ACMG Guidelines, 2015. Collection method: clinical testing. Allele origin: germline.

Blueprint Genetics
Classification: Likely benign. Last evaluated: 2024-11-27. Review status: criteria provided, single submitter. Criteria: ACMG Guidelines, 2015. Collection method: clinical testing. Allele origin: germline.

Myriad Genetics, Inc.
Classification: Benign for Oligodontia-cancer predisposition syndrome. Last evaluated: 2024-06-26. Review status: criteria provided, single submitter. Criteria: Myriad Autosomal Dominant, Autosomal Recessive and X-Linked Classification Criteria (2023). Collection method: clinical testing. Allele origin: unknown.
Comment: This variant is considered benign. This variant is a silent/synonymous amino acid change and it is not expected to impact splicing.

KCCC/NGS Laboratory, Kuwait Cancer Control Center
Classification: Benign for Oligodontia-cancer predisposition syndrome. Last evaluated: 2023-07-07. Review status: criteria provided, single submitter. Criteria: ACMG Guidelines, 2015. Collection method: clinical testing. Allele origin: germline. Affected: yes.

Department of Pathology and Laboratory Medicine, Sinai Health System
Classification: Benign for oligodontia-cancer predisposition syndrome. Last evaluated: 2022-08-30. Review status: criteria provided, single submitter. Criteria: ACMG Guidelines, 2015. Collection method: clinical testing. Allele origin: germline. Affected: yes.

Ambry Genetics
Classification: Benign for Hereditary cancer-predisposing syndrome. Last evaluated: 2019-05-08. Review status: criteria provided, single submitter. Criteria: Ambry Variant Classification Scheme 2023. Collection method: clinical testing. Allele origin: germline.

Illumina Laboratory Services, Illumina
Classification: Benign for Oligodontia-cancer predisposition syndrome. Last evaluated: 2018-01-12. Review status: criteria provided, single submitter. Criteria: ICSL Variant Classification Criteria 13 December 2019. Collection method: clinical testing. Allele origin: germline.
Comment: This variant was observed in the ICSL laboratory as part of a predisposition screen in an ostensibly healthy population. It had not been previously curated by ICSL or reported in the Human Gene Mutation Database (HGMD: prior to June 1st, 2018), and was therefore a candidate for classification through an automated scoring system. Utilizing variant allele frequency, disease prevalence and penetrance estimates, and inheritance mode, an automated score was calculated to assess if this variant is too frequent to cause the disease. Based on the score and internal cut-off values, a variant classified as benign is not then subjected to further curation. The score for this variant resulted in a classification of benign for this disease.

Women's Health and Genetics/Laboratory Corporation of America, LabCorp
Classification: Benign. Last evaluated: 2016-04-28. Review status: criteria provided, single submitter. Criteria: LabCorp Variant Classification Summary - May 2015. Collection method: clinical testing. Allele origin: germline.
Comment: Variant summary: The AXIN2 c.432T>C variant affects a non-conserved nucleotide, resulting in no amino acid change. Mutation Taster predicts the variant is a polymorphism, and 5/5 Alamut algorithms predict no significant change to splicing. This variant was found in 4851/121408 control chromosomes (257 homozygotes) at a frequency of 0.0399562, which is about 281 times of the maximal expected frequency of a pathogenic AXIN2 allele (0.0001421), suggesting this variant is benign. Taken together, this variant was classified as benign.

GeneDx
Classification: Benign. Last evaluated: 2015-03-03. Review status: criteria provided, single submitter. Criteria: GeneDx Variant Classification Process June 2021. Collection method: clinical testing. Allele origin: germline. Affected: yes.

Breakthrough Genomics
Classification: Benign. Review status: criteria provided, single submitter. Criteria: ACMG Guidelines, 2015. Collection method: not provided. Allele origin: germline. Inheritance: Autosomal dominant inheritance. Affected: yes.

PreventionGenetics, part of Exact Sciences
Classification: Benign. Review status: criteria provided, single submitter. Criteria: ACMG Guidelines, 2015. Collection method: clinical testing. Allele origin: germline.

Clinical Genetics, Academic Medical Center
Classification: Benign. Review status: no assertion criteria provided. Collection method: clinical testing. Allele origin: germline. Affected: yes. Study: VKGL Data-share Consensus. Not counted in ClinVar's aggregate classification.

Laboratory of Diagnostic Genome Analysis, Leiden University Medical Center (LUMC)
Classification: Benign. Review status: no assertion criteria provided. Collection method: clinical testing. Allele origin: germline. Affected: yes. Study: VKGL Data-share Consensus. Not counted in ClinVar's aggregate classification.

Mayo Clinic Laboratories, Mayo Clinic
Classification: Benign. Review status: no assertion criteria provided. Collection method: clinical testing. Allele origin: unknown. Not counted in ClinVar's aggregate classification.